The following is an entry in ClinVar:

ClinVar aggregate classification (germline): Uncertain significance (1 of 4 stars; one submission).

Submission:

Labcorp Genetics (formerly Invitae), Labcorp
Classification: Uncertain significance. Last evaluated: 2024-04-22. Review status: criteria provided, single submitter. Criteria: Invitae Variant Classification Sherloc (09022015). Collection method: clinical testing. Allele origin: germline.
Comment: This sequence change replaces alanine, which is neutral and non-polar, with threonine, which is neutral and polar, at codon 68 of the CASQ1 protein (p.Ala68Thr). This variant is not present in population databases (gnomAD no frequency). This variant has not been reported in the literature in individuals affected with CASQ1-related conditions. Advanced modeling of protein sequence and biophysical properties (such as structural, functional, and spatial information, amino acid conservation, physicochemical variation, residue mobility, and thermodynamic stability) performed at Invitae indicates that this missense variant is not expected to disrupt CASQ1 protein function with a negative predictive value of 80%. In summary, the available evidence is currently insufficient to determine the role of this variant in disease. Therefore, it has been classified as a Variant of Uncertain Significance.

NM_001231.5(CASQ1):c.202G>A (p.Ala68Thr)

Gene: CASQ1 (calsequestrin 1; plus strand). Cytogenetic location: 1q23.2.
Variant type: single nucleotide variant.
Coding change: c.202G>A on transcript NM_001231.5 (MANE Select); coding-DNA position 202, G replaced by A.
Protein change: p.Ala68Thr; replaces alanine 68 with threonine.
Molecular consequence: missense variant.
Genome position (GRCh38, 1-based): chr1:160,190,953, G>A. VCF-style: chr1-160190953-G-A. GRCh37 (hg19) VCF-style: chr1-160160743-G-A.
Other names: short protein forms A68T.
Identifiers: ClinVar variation 3650624 (VCV003650624.2).
Genomic context (GRCh38, chr1:160,190,953, plus strand): 5'-CGTGTGATCAATGTCAATGCAAAGAACTACAAGAATGTGTTCAAGAAGTATGAGGTGCTG[G>A]CACTCCTCTACCATGAACCCCCCGAGGATGACAAGGCCTCACAAAGACAATTTGAGATGG-3'
Protein context (NP_001222.3, residues 58-78): KNVFKKYEVL[Ala68Thr]LLYHEPPEDD